The following is an entry in ClinVar:

NM_004320.6(ATP2A1):c.902_903insSVAelement

Gene: ATP2A1 (ATPase sarcoplasmic/endoplasmic reticulum Ca2+ transporting 1; plus strand). Cytogenetic location: 16p11.2.
Variant type: Insertion.
Coding change: c.902_903insSVAelement on transcript NM_004320.6; coding-DNA positions 902 to 903, an insertion.
Other names: NM_173201.3:c.902_903insSVA.
Identifiers: ClinVar variation 870230 (VCV000870230.1).

ClinVar aggregate classification (germline): Pathogenic (1 of 4 stars; one submission).

Conditions:
Brody myopathy. Also called: BRODY DISEASE. Identifiers: Orphanet 53347, MedGen C1832918, MONDO:0010977, OMIM 601003.

Submission:

Labcorp Genetics (formerly Invitae), Labcorp
Classification: Pathogenic for Brody myopathy. Last evaluated: 2019-09-16. Review status: criteria provided, single submitter. Criteria: Invitae Variant Classification Sherloc (09022015). Collection method: clinical testing. Allele origin: germline.
Comment: This sequence change inserts a large fragment of DNA, likely a transposable element, in exon 8 of the ATP2A1 gene (c.902_903insSVA), causing a frameshift at codon 301 (p.Ala301fs). The exact size and sequence of the insertion cannot be determined by the current assay. However, the insertion is expected to result in an absent or disrupted protein product. This variant has not been reported in the literature in individuals with ATP2A1-related conditions. Retrotransposon insertions including LINE1 (L1), Alu, and SVA (SINE-VNTR-Alu) have been reported to be disease-causing through disruption of either a coding region or splice site (PMID: 19763152, 20307669, 22406018) and loss-of-function variants in ATP2A1 are known to be pathogenic (PMID: 8841193, 10914677, 23911890). For these reasons, this variant has been classified as Pathogenic.

Literature cited by the submitters: PubMed 8841193; PubMed 20307669; PubMed 22406018; PubMed 10914677; PubMed 23911890; PubMed 19763152.